The following is an entry in ClinVar:

NM_002691.4(POLD1):c.2833dup (p.Val945fs)

Gene: POLD1 (DNA polymerase delta 1, catalytic subunit; plus strand). Cytogenetic location: 19q13.33.
Variant type: Duplication.
Coding change: c.2833dup on transcript NM_002691.4 (MANE Select); coding-DNA position 2833, one base duplicated (G; older notation c.2833dupG).
Protein change: p.Val945fs; shifts the reading frame from valine 945.
Molecular consequence: frameshift variant. On other transcripts: non-coding transcript variant (1).
Genome position (GRCh38, 1-based): chr19:50,416,408, G duplicated. VCF-style (leftmost placement, unchanged base first): chr19-50416407-C-CG. GRCh37 (hg19) VCF-style: chr19-50919664-C-CG.
Other names: c.2833dup, p.Val945fs (NM_001256849.1); c.2911dup, p.Val971fs (NM_001308632.1); short protein forms V945fs, V971fs.
Identifiers: ClinVar variation 2012739 (VCV002012739.4), dbSNP rs2514065243, ClinGen allele CA2580097832.

ClinVar aggregate classification (germline): Uncertain significance (1 of 4 stars; one submission).

Conditions:
POLD1-related polyposis and colorectal cancer syndrome (CRCS10). Also called: Colorectal cancer 10; COLORECTAL CANCER, SUSCEPTIBILITY TO, ON CHROMOSOME 19q; Colorectal cancer, susceptibility to, 10. Identifiers: Orphanet 220460, MedGen C2675481, MONDO:0012953, OMIM 612591.

Submission:

Labcorp Genetics (formerly Invitae), Labcorp
Classification: Uncertain significance for POLD1-related polyposis and colorectal cancer syndrome. Last evaluated: 2022-07-01. Review status: criteria provided, single submitter. Criteria: Invitae Variant Classification Sherloc (09022015). Collection method: clinical testing. Allele origin: germline.
Comment: This sequence change creates a premature translational stop signal (p.Val945Glyfs*9) in the POLD1 gene. Missense variants that disrupt the 3'-5' exonuclease (proof-reading) activity of the POLD1 protein are associated with an increased risk for colonic adenomatous polyps and colon cancer (PMID: 23263490, 23447401). However, loss-of-function variants that result in an absent or severely disrupted POLD1 protein, and missense variants outside the exonuclease domain, are unlikely to be associated with polyposis or colon cancer. In summary, the available evidence is currently insufficient to determine the role of this variant in disease. Therefore, it has been classified as a Variant of Uncertain Significance. This variant has not been reported in the literature in individuals affected with POLD1-related conditions. This variant is not present in population databases (gnomAD no frequency).

Literature cited by the submitters: PubMed 23263490; PubMed 23447401.